The following is an entry in ClinVar:

NM_000059.4(BRCA2):c.4281T>G (p.Phe1427Leu)

Gene: BRCA2 (BRCA2 DNA repair associated; plus strand). Cytogenetic location: 13q13.1.
Variant type: single nucleotide variant.
Coding change: c.4281T>G on transcript NM_000059.4 (MANE Select); coding-DNA position 4281, T replaced by G.
Protein change: p.Phe1427Leu; replaces phenylalanine 1427 with leucine.
Molecular consequence: missense variant.
Genome position (GRCh38, 1-based): chr13:32,338,636, T>G. VCF-style: chr13-32338636-T-G. GRCh37 (hg19) VCF-style: chr13-32912773-T-G.
Other names: short protein forms F1427L.
Identifiers: ClinVar variation 640098 (VCV000640098.11), dbSNP rs1593901912, ClinGen allele CA387780616.

ClinVar aggregate classification (germline): Conflicting classifications of pathogenicity. Review status: criteria provided, conflicting classifications (1 of 4 stars). 3 submissions from 3 submitters: Uncertain significance (2); Likely benign (1). Last evaluated 2026-03-27.

Conditions:
Hereditary breast ovarian cancer syndrome. Also called: Hereditary breast and ovarian cancer; Hereditary breast and ovarian cancer syndrome (HBOC); Hereditary breast and ovarian cancer syndrome; Breast and ovarian cancer; Hereditary breast and/or ovarian cancer syndrome; BRCA1- and BRCA2-Associated Hereditary Breast and Ovarian Cancer. Identifiers: Orphanet 145, MedGen C0677776, MeSH D061325, MONDO:0003582. Disease mechanism: loss of function.
Hereditary cancer-predisposing syndrome. Also called: Tumor predisposition; Hereditary Cancer Syndrome; Neoplastic Syndromes, Hereditary; Hereditary neoplastic syndrome. Identifiers: Orphanet 140162, MedGen C0027672, MeSH D009386, MONDO:0015356.

Submissions (3):

Ambry Genetics
Classification: Uncertain significance for Hereditary cancer-predisposing syndrome. Last evaluated: 2026-03-27. Review status: criteria provided, single submitter. Criteria: Ambry Variant Classification Scheme 2023. Collection method: clinical testing. Allele origin: germline.
Comment: The p.F1427L variant (also known as c.4281T>G), located in coding exon 10 of the BRCA2 gene, results from a T to G substitution at nucleotide position 4281. The phenylalanine at codon 1427 is replaced by leucine, an amino acid with highly similar properties. This amino acid position is poorly conserved in available vertebrate species. In addition, this alteration is predicted to be tolerated by in silico analysis. Based on the available evidence, the clinical significance of this variant remains unclear.

University of Washington Department of Laboratory Medicine, University of Washington
Classification: Likely benign for Hereditary cancer-predisposing syndrome. Last evaluated: 2023-03-23. Review status: criteria provided, single submitter. Criteria: Dines et al. (Genet Med. 2020). Collection method: curation. Allele origin: germline.
Comment: Missense variant in a coldspot region where missense variants are very unlikely to be pathogenic (PMID:31911673).

BRCA2 exon 11 coldspot. Reclassification based on statistical prior probability.

Labcorp Genetics (formerly Invitae), Labcorp
Classification: Uncertain significance for Hereditary breast ovarian cancer syndrome. Last evaluated: 2020-02-13. Review status: criteria provided, single submitter. Criteria: Invitae Variant Classification Sherloc (09022015). Collection method: clinical testing. Allele origin: germline.
Comment: In summary, the available evidence is currently insufficient to determine the role of this variant in disease. Therefore, it has been classified as a Variant of Uncertain Significance. Algorithms developed to predict the effect of missense changes on protein structure and function (SIFT, PolyPhen-2, Align-GVGD) all suggest that this variant is likely to be tolerated, but these predictions have not been confirmed by published functional studies and their clinical significance is uncertain. This variant has not been reported in the literature in individuals with BRCA2-related conditions. This variant is not present in population databases (ExAC no frequency). This sequence change replaces phenylalanine with leucine at codon 1427 of the BRCA2 protein (p.Phe1427Leu). The phenylalanine residue is weakly conserved and there is a small physicochemical difference between phenylalanine and leucine.